The following is an entry in ClinVar:

ClinVar aggregate classification (germline): Benign. Review status: criteria provided, single submitter (1 of 4 stars). 2 submissions from 2 submitters: Benign (1). 1 of the submissions does not count toward it. Last evaluated 2018-07-23.

Conditions:
DNAH17-related disorder. Also called: DNAH17-related condition.

Allele frequency attached by ClinVar (database versions not stated): 1000 Genomes Project 0.00899; gnomAD 0.00967 and 0.01042; 1000 Genomes Project 30x 0.00999; ESP Exome Variant Server 0.00999; TOPMed 0.01124.
gnomAD v4.1: 2,921 of 1,613,972 alleles (0.18%); highest among the groups gnomAD compares: African/African-American, 3.5%; 41 homozygotes.

Submissions (2):

Labcorp Genetics (formerly Invitae), Labcorp
Classification: Benign. Last evaluated: 2018-07-23. Review status: criteria provided, single submitter. Criteria: Invitae Variant Classification Sherloc (09022015). Collection method: clinical testing. Allele origin: germline.

PreventionGenetics, part of Exact Sciences
Classification: Benign for DNAH17-related condition. Last evaluated: 2019-04-04. Review status: no assertion criteria provided. Collection method: clinical testing. Allele origin: germline. Not counted in ClinVar's aggregate classification.
Comment: This variant is classified as benign based on ACMG/AMP sequence variant interpretation guidelines (Richards et al. 2015 PMID: 25741868, with internal and published modifications).

NM_173628.4(DNAH17):c.4677C>A (p.Ser1559Arg)

Genes: DNAH17 (dynein axonemal heavy chain 17; minus strand), LOC126862654 (MED14-independent group 3 enhancer GRCh37_chr17:76502868-76504067; plus strand). Cytogenetic location: 17q25.3.
Variant type: single nucleotide variant.
Coding change: c.4677C>A on transcript NM_173628.4 (MANE Select); coding-DNA position 4677, C replaced by A.
Protein change: p.Ser1559Arg; replaces serine 1559 with arginine.
Molecular consequence: missense variant.
Genome position (GRCh38, 1-based): chr17:78,506,846, G>T on the plus strand (C>A on the coding strand, the complement: DNAH17 is on the minus strand). VCF-style: chr17-78506846-G-T. GRCh37 (hg19) VCF-style: chr17-76502928-G-T.
Other names: short protein forms S1559R.
Identifiers: ClinVar variation 790188 (VCV000790188.5), dbSNP rs114464365, ClinGen allele CA8803631.